The following is an entry in ClinVar:

NM_017654.4(SAMD9):c.520C>T (p.Arg174Cys)

Gene: SAMD9 (sterile alpha motif domain containing 9; minus strand). Cytogenetic location: 7q21.2.
Variant type: single nucleotide variant.
Coding change: c.520C>T on transcript NM_017654.4 (MANE Select); coding-DNA position 520, C replaced by T.
Protein change: p.Arg174Cys; replaces arginine 174 with cysteine.
Molecular consequence: missense variant.
Genome position (GRCh38, 1-based): chr7:93,105,578, G>A on the plus strand (C>T on the coding strand, the complement: SAMD9 is on the minus strand). VCF-style: chr7-93105578-G-A. GRCh37 (hg19) VCF-style: chr7-92734891-G-A.
Other names: c.520C>T, p.Arg174Cys (NM_001193307.2); c.520C>T (NM_017654.3); short protein forms R174C.
Identifiers: ClinVar variation 1434179 (VCV001434179.9), dbSNP rs373775990, ClinGen allele CA4343127.

ClinVar aggregate classification (germline): Uncertain significance. Review status: criteria provided, multiple submitters, no conflicts (2 of 4 stars). 2 submissions from 2 submitters: Uncertain significance (2). Last evaluated 2026-01-25.

Conditions:
SAMD9-related disorder. Also called: SAMD9-related condition.

Allele frequency attached by ClinVar (database versions not stated): ESP Exome Variant Server 0.00008.
gnomAD v4.1: 45 of 1,613,958 alleles (0.0028%); highest among the groups gnomAD compares: African/African-American, 0.004%; no homozygotes.

Submissions (2):

Labcorp Genetics (formerly Invitae), Labcorp
Classification: Uncertain significance. Last evaluated: 2026-01-25. Review status: criteria provided, single submitter. Criteria: Invitae Variant Classification Sherloc (09022015). Collection method: clinical testing. Allele origin: germline.
Comment: This sequence change replaces arginine, which is basic and polar, with cysteine, which is neutral and slightly polar, at codon 174 of the SAMD9 protein (p.Arg174Cys). This variant is present in population databases (rs373775990, gnomAD 0.007%). This variant has not been reported in the literature in individuals affected with SAMD9-related conditions. ClinVar contains an entry for this variant (Variation ID: 1434179). Invitae Evidence Modeling of protein sequence and biophysical properties (such as structural, functional, and spatial information, amino acid conservation, physicochemical variation, residue mobility, and thermodynamic stability) indicates that this missense variant is not expected to disrupt SAMD9 protein function with a negative predictive value of 95%. In summary, the available evidence is currently insufficient to determine the role of this variant in disease. Therefore, it has been classified as a Variant of Uncertain Significance.

PreventionGenetics, part of Exact Sciences
Classification: Uncertain significance for SAMD9-related condition. Last evaluated: 2025-04-29. Review status: criteria provided, single submitter. Criteria: ACMG Guidelines, 2015. Collection method: clinical testing. Allele origin: germline.
Comment: The SAMD9 c.520C>T variant is predicted to result in the amino acid substitution p.Arg174Cys. To our knowledge, this variant has not been reported in the literature. This variant is reported in 0.0062% of alleles in individuals of African descent in gnomAD. At this time, the clinical significance of this variant is uncertain due to the absence of conclusive functional and genetic evidence.